The following is an entry in ClinVar:

NM_001038603.3(MARVELD2):c.17G>A (p.Arg6Lys)

Gene: MARVELD2 (MARVEL domain containing 2; plus strand). Cytogenetic location: 5q13.2.
Variant type: single nucleotide variant.
Coding change: c.17G>A on transcript NM_001038603.3 (MANE Select); coding-DNA position 17, G replaced by A.
Protein change: p.Arg6Lys; replaces arginine 6 with lysine.
Molecular consequence: missense variant.
Genome position (GRCh38, 1-based): chr5:69,419,402, G>A. VCF-style: chr5-69419402-G-A. GRCh37 (hg19) VCF-style: chr5-68715229-G-A.
Other names: c.17G>A, p.Arg6Lys (NM_001244734.2); short protein forms R6K.
Identifiers: ClinVar variation 4051864 (VCV004051864.2).
Genomic context (GRCh38, chr5:69,419,402, plus strand): 5'-ATAAGTGATAACTTTAAATTTGGCCACAGGTGTGAAAATCACAAATGTCAAATGATGGAA[G>A]ATCCAGGAATCGGGACAGGCGCTACGATGAGGTCCCAAGCGACCTGCCCTATCAAGATAC-3'
Protein context (NP_001033692.2, residues 1-16): MSNDG[Arg6Lys]SRNRDRRYDE

ClinVar aggregate classification (germline): Uncertain significance. Review status: criteria provided, multiple submitters, no conflicts (2 of 4 stars). 2 submissions from 2 submitters: Uncertain significance (2). Last evaluated 2026-09-01.

Conditions:
MARVELD2-related disorder. Also called: MARVELD2-related condition.
Inborn genetic diseases. Identifiers: MedGen C0950123, MeSH D030342.

gnomAD v4.1: 255 of 1,614,038 alleles (0.016%); highest among the groups gnomAD compares: Non-Finnish European, 0.021%; no homozygotes.

Submissions (2):

PreventionGenetics, part of Exact Sciences
Classification: Uncertain significance for MARVELD2-related condition. Last evaluated: 2026-09-01. Review status: criteria provided, single submitter. Criteria: ACMG Guidelines, 2015. Collection method: clinical testing. Allele origin: germline.
Comment: The MARVELD2 c.17G>A variant is predicted to result in the amino acid substitution p.Arg6Lys. To our knowledge, this variant has not been reported in the literature. This variant is reported in 0.0047% of alleles in individuals of European (Non-Finnish) descent in gnomAD. At this time, the clinical significance of this variant is uncertain due to the absence of conclusive functional and genetic evidence.

Ambry Genetics
Classification: Uncertain significance for Inborn genetic diseases. Last evaluated: 2025-04-13. Review status: criteria provided, single submitter. Criteria: Ambry Variant Classification Scheme 2023. Collection method: clinical testing. Allele origin: germline.